The following is an entry in ClinVar:

NM_002878.4(RAD51D):c.478C>T (p.Gln160Ter)

Genes: RAD51D (RAD51 paralog D; minus strand), RAD51L3-RFFL (RAD51L3-RFFL readthrough; minus strand). Cytogenetic location: 17q12.
Variant type: single nucleotide variant.
Coding change: c.478C>T on transcript NM_002878.4 (MANE Select); coding-DNA position 478, C replaced by T.
Protein change: p.Gln160Ter; replaces glutamine 160 with a stop codon.
Molecular consequence: nonsense. On other transcripts: non-coding transcript variant (1), intron variant (1).
Genome position (GRCh38, 1-based): chr17:35,106,990, G>A on the plus strand (C>T on the coding strand, the complement: RAD51D is on the minus strand). VCF-style: chr17-35106990-G-A. GRCh37 (hg19) VCF-style: chr17-33434009-G-A.
Other names: p.Gln160*; c.538C>T, p.Gln180Ter (NM_001142571.2); c.145-509C>T (NM_133629.3); short protein forms Q160*, Q180*.
Identifiers: ClinVar variation 384322 (VCV000384322.29), dbSNP rs1057521922, ClinGen allele CA16607207.
Genomic context (GRCh38, chr17:35,106,990, plus strand): 5'-GGGATAATGGGGTTTTCCTGTGTCAGAATCTCAATGGAACCCAGCATCCTGCCCTTACCT[G>A]TTCCTCCTCATCCTGGGTTTTAGCCTGAAGCAGCTGGAGGAGGCGGGAAGCTGTCAGCCC-3'

ClinVar aggregate classification (germline): Pathogenic. Review status: criteria provided, multiple submitters, no conflicts (2 of 4 stars). 13 submissions from 12 submitters: Pathogenic (12). 1 of the submissions does not count toward it. Last evaluated 2025-12-13.

Conditions:
Hereditary cancer-predisposing syndrome. Also called: Hereditary Cancer Syndrome; Hereditary neoplastic syndrome; Neoplastic Syndromes, Hereditary; Tumor predisposition. Identifiers: Orphanet 140162, MedGen C0027672, MeSH D009386, MONDO:0015356.
Inherited breast cancer and ovarian cancer.
Inherited ovarian cancer (without breast cancer).
Breast-ovarian cancer, familial, susceptibility to, 4. Identifiers: Orphanet 145, MedGen C3280345, MONDO:0013669, OMIM 614291.

gnomAD v4.1: 15 of 1,614,188 alleles (0.00093%); highest among the groups gnomAD compares: Non-Finnish European, 0.0013%; no homozygotes.

Submissions (13):

Labcorp Genetics (formerly Invitae), Labcorp
Classification: Pathogenic for Breast-ovarian cancer, familial, susceptibility to, 4. Last evaluated: 2025-12-13. Review status: criteria provided, single submitter. Criteria: Invitae Variant Classification Sherloc (09022015). Collection method: clinical testing. Allele origin: germline.
Comment: This sequence change creates a premature translational stop signal (p.Gln160*) in the RAD51D gene. It is expected to result in an absent or disrupted protein product. Loss-of-function variants in RAD51D are known to be pathogenic (PMID: 21822267). This variant is not present in population databases (gnomAD no frequency). This premature translational stop signal has been observed in individual(s) with breast or ovarian cancer (PMID: 25452441, 26261251). ClinVar contains an entry for this variant (Variation ID: 384322). Studies have shown that this premature translational stop signal is associated with altered splicing resulting in multiple RNA products (internal data). For these reasons, this variant has been classified as Pathogenic.

GeneDx
Classification: Pathogenic. Last evaluated: 2025-11-11. Review status: criteria provided, single submitter. Criteria: GeneDx Variant Classification Process June 2021. Collection method: clinical testing. Allele origin: germline. Affected: yes.
Comment: Nonsense variant predicted to result in protein truncation or nonsense mediated decay in a gene for which loss of function is a known mechanism of disease; Not observed at significant frequency in large population cohorts (gnomAD); This variant is associated with the following publications: (PMID: 25452441, 26261251, 31589614, 32107557, 36744932, 33471991, 40118241)

Genetics Laboratory, Great Ormond Street Hospital NHS Foundation Trust, North Thames Genomic Laboratory Hub
Classification: Pathogenic for Inherited breast cancer and ovarian cancer. Last evaluated: 2025-09-08. Review status: criteria provided, single submitter. Criteria: CanVIG RAD51CD Gene Specific V1.2. Collection method: clinical testing. Allele origin: germline. Affected: yes.
Comment: PM2_supporting, PVS1_very-strong, PM5_supporting

Genetics Laboratory, Great Ormond Street Hospital NHS Foundation Trust, North Thames Genomic Laboratory Hub
Classification: Pathogenic for Inherited ovarian cancer (without breast cancer). Last evaluated: 2025-09-08. Review status: criteria provided, single submitter. Criteria: CanVIG RAD51CD Gene Specific V1.2. Collection method: clinical testing. Allele origin: germline. Affected: yes.
Comment: the same text as in the submission from Genetics Laboratory, Great Ormond Street Hospital NHS Foundation Trust, North Thames Genomic Laboratory Hub above.

Ambry Genetics
Classification: Pathogenic for Hereditary cancer-predisposing syndrome. Last evaluated: 2025-05-12. Review status: criteria provided, single submitter. Criteria: Ambry Variant Classification Scheme 2023. Collection method: clinical testing. Allele origin: germline.
Comment: The p.Q160* pathogenic mutation (also known as c.478C>T), located in coding exon 5 of the RAD51D gene, results from a C to T substitution at nucleotide position 478. This changes the amino acid from a glutamine to a stop codon within coding exon 5. This mutation has been identified in a patient with ovarian cancer and in a patient with triple-negative breast cancer (Song H et al. J. Clin. Oncol. 2015 Sep;33:2901-7; Couch FJ et al. J. Clin. Oncol. 2015 Feb;33:304-11). This variant is considered to be rare based on population cohorts in the Genome Aggregation Database (gnomAD). In addition to the clinical data presented in the literature, this alteration is expected to result in loss of function by premature protein truncation or nonsense-mediated mRNA decay. As such, this alteration is interpreted as a disease-causing mutation.

Mayo Clinic Laboratories, Mayo Clinic
Classification: Pathogenic. Last evaluated: 2025-03-19. Review status: criteria provided, single submitter. Criteria: ACMG Guidelines, 2015. Collection method: clinical testing. Allele origin: germline. Observed: 1 variant allele.
Comment: PP5, PM2_supporting, PVS1

Department of Pathology and Laboratory Medicine, Sinai Health System
Classification: Pathogenic for Breast-ovarian cancer, familial, susceptibility to, 4. Last evaluated: 2024-09-04. Review status: criteria provided, single submitter. Criteria: ACMG Guidelines, 2015. Collection method: clinical testing. Allele origin: germline.

Color Diagnostics, LLC DBA Color Health
Classification: Pathogenic for Hereditary cancer-predisposing syndrome. Last evaluated: 2023-12-06. Review status: criteria provided, single submitter. Criteria: ACMG Guidelines, 2015. Collection method: clinical testing. Allele origin: germline.
Comment: This variant changes 1 nucleotide in exon 5 of the RAD51D gene, creating a premature translation stop signal. This variant is expected to result in an absent or non-functional protein product. This variant has been reported in one individual each affected with ovarian cancer (PMID: 26261251) and breast cancer (PMID: 25452441). This variant also has been reported in a breast cancer case-control meta-analysis in 4/60466 cases and 0/53461 unaffected individuals (PMID: 33471991; Leiden Open Variation Database DB-ID RAD51D_000014). This variant has not been identified in the general population by the Genome Aggregation Database (gnomAD). Loss of RAD51D function is a known mechanism of disease. Based on the available evidence, this variant is classified as Pathogenic.

Myriad Genetics, Inc.
Classification: Pathogenic for Breast-ovarian cancer, familial, susceptibility to, 4. Last evaluated: 2023-04-06. Review status: criteria provided, single submitter. Criteria: Myriad Autosomal Dominant, Autosomal Recessive and X-Linked Classification Criteria (2023). Collection method: clinical testing. Allele origin: unknown.
Comment: This variant is considered pathogenic. This variant creates a termination codon and is predicted to result in premature protein truncation.

Baylor Genetics
Classification: Pathogenic for Breast-ovarian cancer, familial, susceptibility to, 4. Last evaluated: 2022-12-25. Review status: criteria provided, single submitter. Criteria: ACMG Guidelines, 2015. Collection method: clinical testing. Allele origin: unknown.

Fulgent Genetics
Classification: Pathogenic for Breast-ovarian cancer, familial, susceptibility to, 4. Last evaluated: 2021-10-07. Review status: criteria provided, single submitter. Criteria: ACMG Guidelines, 2015. Collection method: clinical testing. Allele origin: unknown.

Revvity Omics, Revvity
Classification: Pathogenic. Last evaluated: 2019-04-16. Review status: criteria provided, single submitter. Criteria: ACMG Guidelines, 2015. Collection method: clinical testing. Allele origin: germline.

Counsyl
Classification: Pathogenic for Breast-ovarian cancer, familial, susceptibility to, 4. Last evaluated: 2018-01-22. Review status: no assertion criteria provided. Collection method: clinical testing. Allele origin: unknown. Not counted in ClinVar's aggregate classification.

Literature cited by the submitters: PubMed 21822267 (cited by Labcorp Genetics (formerly Invitae), Labcorp); PubMed 25452441 (cited by 6 submitters); PubMed 26261251 (cited by 6 submitters); PubMed 33471991 (cited by Department of Pathology and Laboratory Medicine, Sinai Health System and Color Diagnostics, LLC DBA Color Health).